The following is an entry in ClinVar:

NM_000038.6(APC):c.2522T>C (p.Leu841Ser)

Gene: APC (APC regulator of Wnt signaling pathway; plus strand). Cytogenetic location: 5q22.2.
Variant type: single nucleotide variant.
Coding change: c.2522T>C on transcript NM_000038.6 (MANE Select); coding-DNA position 2522, T replaced by C.
Protein change: p.Leu841Ser; replaces leucine 841 with serine.
Molecular consequence: missense variant. On other transcripts: non-coding transcript variant (2).
Genome position (GRCh38, 1-based): chr5:112,838,116, T>C. VCF-style: chr5-112838116-T-C. GRCh37 (hg19) VCF-style: chr5-112173813-T-C.
Other names: c.2522T>C, p.Leu841Ser (NM_001127510.3, NM_001354895.2, NM_001407450.1); c.2468T>C, p.Leu823Ser (NM_001127511.3); c.2576T>C, p.Leu859Ser (NM_001354896.2, NM_001407447.1, NM_001407448.1 and 1 more transcripts); c.2552T>C, p.Leu851Ser (NM_001354897.2); c.2447T>C, p.Leu816Ser (NM_001354898.2); c.2438T>C, p.Leu813Ser (NM_001354899.2); c.2399T>C, p.Leu800Ser (NM_001354900.2); c.2345T>C, p.Leu782Ser (NM_001354901.2, NM_001407453.1); and 11 more; short protein forms L813S, L831S, L457S, L715S, L740S, L750S, L800S, L816S.
Identifiers: ClinVar variation 3412353 (VCV003412353.1).

ClinVar aggregate classification (germline): Uncertain significance (1 of 4 stars; one submission).

Conditions:
Hereditary cancer-predisposing syndrome. Also called: Neoplastic Syndromes, Hereditary; Tumor predisposition; Hereditary Cancer Syndrome; Hereditary neoplastic syndrome. Identifiers: Orphanet 140162, MedGen C0027672, MeSH D009386, MONDO:0015356.

Submission:

Ambry Genetics
Classification: Uncertain significance for Hereditary cancer-predisposing syndrome. Last evaluated: 2024-11-16. Review status: criteria provided, single submitter. Criteria: Ambry Variant Classification Scheme 2023. Collection method: clinical testing. Allele origin: germline.
Comment: The p.L841S variant (also known as c.2522T>C), located in coding exon 15 of the APC gene, results from a T to C substitution at nucleotide position 2522. The leucine at codon 841 is replaced by serine, an amino acid with dissimilar properties. This amino acid position is conserved. In addition, in silico predictors for this gene do not accurately predict pathogenicity. Based on the available evidence, the clinical significance of this variant remains unclear.